The following is an entry in ClinVar:

NM_007356.3(LAMB4):c.1707G>A (p.Ser569=)

Gene: LAMB4 (laminin subunit beta 4; minus strand). Cytogenetic location: 7q31.1.
Variant type: single nucleotide variant.
Coding change: c.1707G>A on transcript NM_007356.3 (MANE Select); coding-DNA position 1707, G replaced by A.
Protein change: p.Ser569=; no amino-acid change (serine 569 retained).
Molecular consequence: synonymous variant.
Genome position (GRCh38, 1-based): chr7:108,079,781, C>T on the plus strand (G>A on the coding strand, the complement: LAMB4 is on the minus strand). VCF-style: chr7-108079781-C-T. GRCh37 (hg19) VCF-style: chr7-107720226-C-T.
Other names: c.1707G>A, p.Ser569= (NM_001318046.2, NM_001318047.2, NM_001318048.2).
Identifiers: ClinVar variation 2657942 (VCV002657942.24), dbSNP rs201675880, ClinGen allele CA4437542.

ClinVar aggregate classification (germline): Likely benign (1 of 4 stars; one submission).

Allele frequency attached by ClinVar (database versions not stated): TOPMed 0.00006; gnomAD 0.00009; gnomAD exomes 0.00010; 1000 Genomes Project 30x 0.00016; 1000 Genomes Project 0.00020; ExAC 0.00022.
gnomAD v4.1: 150 of 1,575,790 alleles (0.0095%); highest among the groups gnomAD compares: East Asian, 0.087%; no homozygotes.

Submission:

CeGaT Center for Human Genetics Tuebingen
Classification: Likely benign. Last evaluated: 2022-07-01. Review status: criteria provided, single submitter. Criteria: CeGaT Center For Human Genetics Tuebingen Variant Classification Criteria Version 2. Collection method: clinical testing. Allele origin: germline. Affected: yes. Observed: 1 variant allele.
Comment: LAMB4: BP4, BP7